The following is an entry in ClinVar:

ClinVar aggregate classification (germline): Pathogenic (1 of 4 stars; one submission).

Conditions:
Macular corneal dystrophy (MCD). Also called: Macular corneal dystrophy Type I; GROENOUW TYPE II CORNEAL DYSTROPHY. Identifiers: Orphanet 98969, MedGen C1636149, MONDO:0009020, OMIM 217800.

gnomAD v4.1: 10 of 1,612,778 alleles (0.00062%); highest among the groups gnomAD compares: African/African-American, 0.0093%; no homozygotes.

Submission:

Labcorp Genetics (formerly Invitae), Labcorp
Classification: Pathogenic for Macular corneal dystrophy. Last evaluated: 2026-01-19. Review status: criteria provided, single submitter. Criteria: Invitae Variant Classification Sherloc (09022015). Collection method: clinical testing. Allele origin: germline.
Comment: This sequence change creates a premature translational stop signal (p.Trp77*) in the CHST6 gene. While this is not anticipated to result in nonsense mediated decay, it is expected to disrupt the last 319 amino acid(s) of the CHST6 protein. This variant is present in population databases (no rsID available, gnomAD 0.01%). This premature translational stop signal has been observed in individual(s) with macular corneal dystrophy (PMID: 16568029). This variant disrupts a region of the CHST6 protein in which other variant(s) (p.Trp333Arg) have been determined to be pathogenic (PMID: 32472422, 35985662). This suggests that this is a clinically significant region of the protein, and that variants that disrupt it are likely to be disease-causing. For these reasons, this variant has been classified as Pathogenic.

Literature cited by the submitters: PubMed 16568029; PubMed 32472422; PubMed 35985662.

NM_021615.5(CHST6):c.231G>A (p.Trp77Ter)

Gene: CHST6 (carbohydrate sulfotransferase 6; minus strand). Cytogenetic location: 16q23.1.
Variant type: single nucleotide variant.
Coding change: c.231G>A on transcript NM_021615.5 (MANE Select); coding-DNA position 231, G replaced by A.
Protein change: p.Trp77Ter; replaces tryptophan 77 with a stop codon.
Molecular consequence: nonsense.
Genome position (GRCh38, 1-based): chr16:75,479,598, C>T on the plus strand (G>A on the coding strand, the complement: CHST6 is on the minus strand). VCF-style: chr16-75479598-C-T. GRCh37 (hg19) VCF-style: chr16-75513496-C-T.
Other names: short protein forms W77*.
Identifiers: ClinVar variation 4710278 (VCV004710278.1), dbSNP rs1412910699.